The following is an entry in ClinVar:

NM_001276345.2(TNNT2):c.-14-466G>A

Gene: TNNT2 (troponin T2, cardiac type; minus strand). Cytogenetic location: 1q32.1.
Variant type: single nucleotide variant.
Coding change: c.-14-466G>A on transcript NM_001276345.2 (MANE Select); 466 bases into the intron before 14 bases upstream of the start codon, G replaced by A.
Molecular consequence: intron variant.
Genome position (GRCh38, 1-based): chr1:201,373,734, C>T on the plus strand (G>A on the coding strand, the complement: TNNT2 is on the minus strand). VCF-style: chr1-201373734-C-T. GRCh37 (hg19) VCF-style: chr1-201342862-C-T.
Other names: c.-14-466G>A (NM_001001432.3, NM_001001431.3, NM_001001430.3 and 2 more transcripts); c.-147-333G>A (NM_001276347.2).
Identifiers: ClinVar variation 684013 (VCV000684013.2), dbSNP rs1539693, ClinGen allele CA10787605.

ClinVar aggregate classification (germline): Benign. Review status: criteria provided, multiple submitters, no conflicts (2 of 4 stars). 2 submissions from 2 submitters: Benign (2). Last evaluated 2018-06-18.

Allele frequency attached by ClinVar (database versions not stated): 1000 Genomes Project 30x 0.31106; 1000 Genomes Project 0.31709; TOPMed 0.35985; gnomAD 0.37083 and 0.37831; gnomAD exomes 0.43401.
gnomAD v4.1: 75,592 of 193,668 alleles (39%); highest among the groups gnomAD compares: Non-Finnish European, 50%; 18,016 homozygotes.

Submissions (2):

GeneDx
Classification: Benign. Last evaluated: 2018-06-18. Review status: criteria provided, single submitter. Criteria: GeneDx Variant Classification (06012015). Collection method: clinical testing. Allele origin: germline. Affected: yes.
Comment: This variant is considered likely benign or benign based on one or more of the following criteria: it is a conservative change, it occurs at a poorly conserved position in the protein, it is predicted to be benign by multiple in silico algorithms, and/or has population frequency not consistent with disease.

Breakthrough Genomics
Classification: Benign. Review status: criteria provided, single submitter. Criteria: ACMG Guidelines, 2015. Collection method: not provided. Allele origin: germline. Inheritance: Autosomal dominant inheritance. Affected: yes.